The following is an entry in ClinVar:

ClinVar aggregate classification (germline): Uncertain significance (1 of 4 stars; one submission).

Submission:

GeneDx
Classification: Uncertain significance. Last evaluated: 2022-07-28. Review status: criteria provided, single submitter. Criteria: GeneDx Variant Classification Process June 2021. Collection method: clinical testing. Allele origin: germline. Affected: yes.
Comment: Not observed at significant frequency in large population cohorts (gnomAD); In silico analysis supports that this missense variant does not alter protein structure/function; Has not been previously published as pathogenic or benign to our knowledge

NM_013275.6(ANKRD11):c.5497G>T (p.Ala1833Ser)

Gene: ANKRD11 (ankyrin repeat domain containing 11; minus strand). Cytogenetic location: 16q24.3.
Variant type: single nucleotide variant.
Coding change: c.5497G>T on transcript NM_013275.6 (MANE Select); coding-DNA position 5497, G replaced by T.
Protein change: p.Ala1833Ser; replaces alanine 1833 with serine.
Molecular consequence: missense variant.
Genome position (GRCh38, 1-based): chr16:89,281,045, C>A on the plus strand (G>T on the coding strand, the complement: ANKRD11 is on the minus strand). VCF-style: chr16-89281045-C-A. GRCh37 (hg19) VCF-style: chr16-89347453-C-A.
Other names: c.5497G>T, p.Ala1833Ser (NM_001256182.2, NM_001256183.2); short protein forms A1833S.
Identifiers: ClinVar variation 2412896 (VCV002412896.3), dbSNP rs2544227739, ClinGen allele CA397153960.